The following is an entry in ClinVar:

ClinVar aggregate classification (germline): Uncertain significance (1 of 4 stars; one submission).

Conditions:
Amyotrophic lateral sclerosis type 1 (ALS1). Also called: AMYOTROPHIC LATERAL SCLEROSIS 1, FAMILIAL. Identifiers: Orphanet 803, MedGen C1862939, MONDO:0007103, OMIM 105400.
Neuronopathy, distal hereditary motor, type 7B. Also called: HMN VIIB; LOWER MOTOR NEURON DISEASE, DYNACTIN TYPE; NEURONOPATHY, DISTAL HEREDITARY MOTOR, AUTOSOMAL DOMINANT 14; NEURONOPATHY, DISTAL HEREDITARY MOTOR, HARDING TYPE VIIB; NEUROPATHY, DISTAL HEREDITARY MOTOR, HARDING TYPE VIIB; NEUROPATHY, DISTAL HEREDITARY MOTOR, WITH VOCAL CORD PARALYSIS, HARDING TYPE VIIB. Identifiers: Orphanet 139589, MedGen C1843315, MONDO:0011879, OMIM 607641.
Perry syndrome. Also called: PARKINSONISM WITH ALVEOLAR HYPOVENTILATION AND MENTAL DEPRESSION. Identifiers: Orphanet 178509, MedGen C1868594, MONDO:0008201, OMIM 168605.

Submission:

Labcorp Genetics (formerly Invitae), Labcorp
Classification: Uncertain significance for Amyotrophic lateral sclerosis type 1; Neuronopathy, distal hereditary motor, type 7B; Perry syndrome. Last evaluated: 2024-10-08. Review status: criteria provided, single submitter. Criteria: Invitae Variant Classification Sherloc (09022015). Collection method: clinical testing. Allele origin: germline.
Comment: This sequence change replaces leucine, which is neutral and non-polar, with proline, which is neutral and non-polar, at codon 1048 of the DCTN1 protein (p.Leu1048Pro). This variant is not present in population databases (gnomAD no frequency). This variant has not been reported in the literature in individuals affected with DCTN1-related conditions. Invitae Evidence Modeling of protein sequence and biophysical properties (such as structural, functional, and spatial information, amino acid conservation, physicochemical variation, residue mobility, and thermodynamic stability) indicates that this missense variant is not expected to disrupt DCTN1 protein function with a negative predictive value of 95%. In summary, the available evidence is currently insufficient to determine the role of this variant in disease. Therefore, it has been classified as a Variant of Uncertain Significance.

NM_004082.5(DCTN1):c.3143T>C (p.Leu1048Pro)

Gene: DCTN1 (dynactin subunit 1; minus strand). Cytogenetic location: 2p13.1.
Variant type: single nucleotide variant.
Coding change: c.3143T>C on transcript NM_004082.5 (MANE Select); coding-DNA position 3143, T replaced by C.
Protein change: p.Leu1048Pro; replaces leucine 1048 with proline.
Molecular consequence: missense variant. On other transcripts: non-coding transcript variant (1).
Genome position (GRCh38, 1-based): chr2:74,365,128, A>G on the plus strand (T>C on the coding strand, the complement: DCTN1 is on the minus strand). VCF-style: chr2-74365128-A-G. GRCh37 (hg19) VCF-style: chr2-74592255-A-G.
Other names: c.3083T>C, p.Leu1028Pro (NM_001135040.3); c.2741T>C, p.Leu914Pro (NM_001135041.3, NM_023019.4); c.3032T>C, p.Leu1011Pro (NM_001190836.2); c.3122T>C, p.Leu1041Pro (NM_001190837.2); c.3092T>C, p.Leu1031Pro (NM_001378991.1); c.3074T>C, p.Leu1025Pro (NM_001378992.1); short protein forms L1011P, L1025P, L1028P, L1031P, L1041P, L1048P, L914P.
Identifiers: ClinVar variation 3753574 (VCV003753574.2).